The following is an entry in ClinVar:

NM_004656.4(BAP1):c.122+6T>A

Gene: BAP1 (BRCA1 associated deubiquitinase 1; minus strand). Cytogenetic location: 3p21.1.
Variant type: single nucleotide variant.
Coding change: c.122+6T>A on transcript NM_004656.4 (MANE Select); 6 bases into the intron after coding-DNA position 122, T replaced by A.
Molecular consequence: intron variant.
Genome position (GRCh38, 1-based): chr3:52,409,548, A>T on the plus strand (T>A on the coding strand, the complement: BAP1 is on the minus strand). VCF-style: chr3-52409548-A-T. GRCh37 (hg19) VCF-style: chr3-52443564-A-T.
Identifiers: ClinVar variation 1044179 (VCV001044179.5), dbSNP rs1559592783, ClinGen allele CA1364845994.
Genomic context (GRCh38, chr3:52,409,548, plus strand): 5'-CCTGTTCTCTGGGACCTTCCCCAGCACTCTGGGTGTAAGGGGCAGCCCTGGTGTACAGCC[A>T]CTCACCCCTGACATTTGCTCTGAAGGTCGTAGATCTCCTCCACTTGCACCCCCTTGACAC-3'

ClinVar aggregate classification (germline): Uncertain significance (1 of 4 stars; one submission).

Conditions:
BAP1-related tumor predisposition syndrome (TPDS1). Also called: TUMOR PREDISPOSITION SYNDROME 1; Tumor susceptibility linked to germline BAP1 mutations; COMMON Syndrome; BAP1 tumor predisposition syndrome. Identifiers: Orphanet 289539, MedGen C3280492, MONDO:0013692, OMIM 614327.

Submission:

Labcorp Genetics (formerly Invitae), Labcorp
Classification: Uncertain significance for BAP1-related tumor predisposition syndrome. Last evaluated: 2020-10-27. Review status: criteria provided, single submitter. Criteria: Invitae Variant Classification Sherloc (09022015). Collection method: clinical testing. Allele origin: germline.
Comment: In summary, the available evidence is currently insufficient to determine the role of this variant in disease. Therefore, it has been classified as a Variant of Uncertain Significance. Nucleotide substitutions within the consensus splice site are a relatively common cause of aberrant splicing (PMID: 17576681, 9536098). Algorithms developed to predict the effect of sequence changes on RNA splicing suggest that this variant may disrupt the consensus splice site, but this prediction has not been confirmed by published transcriptional studies. This variant has not been reported in the literature in individuals with BAP1-related conditions. This variant is not present in population databases (ExAC no frequency). This sequence change falls in intron 3 of the BAP1 gene. It does not directly change the encoded amino acid sequence of the BAP1 protein. It affects a nucleotide within the consensus splice site of the intron.

Literature cited by the submitters: PubMed 17576681; PubMed 9536098.